The following is an entry in ClinVar:

NM_139057.4(ADAMTS17):c.2693T>C (p.Val898Ala)

Gene: ADAMTS17 (ADAM metallopeptidase with thrombospondin type 1 motif 17; minus strand). Cytogenetic location: 15q26.3.
Variant type: single nucleotide variant.
Coding change: c.2693T>C on transcript NM_139057.4 (MANE Select); coding-DNA position 2693, T replaced by C.
Protein change: p.Val898Ala; replaces valine 898 with alanine.
Molecular consequence: missense variant.
Genome position (GRCh38, 1-based): chr15:99,997,488, A>G on the plus strand (T>C on the coding strand, the complement: ADAMTS17 is on the minus strand). VCF-style: chr15-99997488-A-G. GRCh37 (hg19) VCF-style: chr15-100537693-A-G.
Other names: p.Val898Ala; short protein forms V898A.
Identifiers: ClinVar variation 744252 (VCV000744252.17), dbSNP rs202099735, ClinGen allele CA7757618.

ClinVar aggregate classification (germline): Likely benign. Review status: criteria provided, multiple submitters, no conflicts (2 of 4 stars). 7 submissions from 7 submitters: Likely benign (5). 2 of the submissions do not count toward it. Last evaluated 2026-01-12.

Conditions:
Weill-Marchesani 4 syndrome, recessive. Also called: Weill-Marchesani syndrome 4. Identifiers: Orphanet 363992, MedGen C2750787, MONDO:0013176, OMIM 613195.

Allele frequency attached by ClinVar (database versions not stated): TOPMed 0.00014; ESP Exome Variant Server 0.00015; gnomAD 0.00016 and 0.00025; gnomAD exomes 0.00038 and 0.00055; 1000 Genomes Project 0.00060; ExAC 0.00066; 1000 Genomes Project 30x 0.00094.
gnomAD v4.1: 598 of 1,613,504 alleles (0.037%); highest among the groups gnomAD compares: South Asian, 0.35%; 1 homozygote.

Submissions (7):

Labcorp Genetics (formerly Invitae), Labcorp
Classification: Likely benign. Last evaluated: 2026-01-12. Review status: criteria provided, single submitter. Criteria: Invitae Variant Classification Sherloc (09022015). Collection method: clinical testing. Allele origin: germline.

Mayo Clinic Laboratories, Mayo Clinic
Classification: Likely benign. Last evaluated: 2024-12-11. Review status: criteria provided, single submitter. Criteria: ACMG Guidelines, 2015. Collection method: clinical testing. Allele origin: germline. Observed: 1 variant allele.
Comment: BS1, BP4

Blueprint Genetics
Classification: Likely benign. Last evaluated: 2024-11-19. Review status: criteria provided, single submitter. Criteria: ACMG Guidelines, 2015. Collection method: clinical testing. Allele origin: germline.

Illumina Laboratory Services, Illumina
Classification: Likely benign for Weill-Marchesani 4 syndrome, recessive. Last evaluated: 2018-01-12. Review status: criteria provided, single submitter. Criteria: ICSL Variant Classification Criteria 13 December 2019. Collection method: clinical testing. Allele origin: germline.
Comment: This variant was observed in the ICSL laboratory as part of a predisposition screen in an ostensibly healthy population. It had not been previously curated by ICSL or reported in the Human Gene Mutation Database (HGMD: prior to June 1st, 2018), and was therefore a candidate for classification through an automated scoring system. Utilizing variant allele frequency, disease prevalence and penetrance estimates, and inheritance mode, an automated score was calculated to assess if this variant is too frequent to cause the disease. Based on the score and internal cut-off values, a variant classified as likely benign is not then subjected to further curation. The score for this variant resulted in a classification of likely benign for this disease.

Breakthrough Genomics
Classification: Likely benign. Review status: criteria provided, single submitter. Criteria: ACMG Guidelines, 2015. Collection method: not provided. Allele origin: germline. Inheritance: Autosomal recessive inheritance. Affected: yes.

Clinical Genetics DNA and cytogenetics Diagnostics Lab, Erasmus MC, Erasmus Medical Center
Classification: Likely benign. Review status: no assertion criteria provided. Collection method: clinical testing. Allele origin: germline. Affected: yes. Study: VKGL Data-share Consensus. Not counted in ClinVar's aggregate classification.

Laboratory of Diagnostic Genome Analysis, Leiden University Medical Center (LUMC)
Classification: Likely benign. Review status: no assertion criteria provided. Collection method: clinical testing. Allele origin: germline. Affected: yes. Study: VKGL Data-share Consensus. Not counted in ClinVar's aggregate classification.